The following is an entry in ClinVar:

NM_021076.4(NEFH):c.1088C>A (p.Ala363Asp)

Gene: NEFH (neurofilament heavy chain; plus strand). Cytogenetic location: 22q12.2.
Variant type: single nucleotide variant.
Coding change: c.1088C>A on transcript NM_021076.4 (MANE Select); coding-DNA position 1088, C replaced by A.
Protein change: p.Ala363Asp; replaces alanine 363 with aspartic acid.
Molecular consequence: missense variant.
Genome position (GRCh38, 1-based): chr22:29,485,727, C>A. VCF-style: chr22-29485727-C-A. GRCh37 (hg19) VCF-style: chr22-29881716-C-A.
Other names: short protein forms A363D.
Identifiers: ClinVar variation 2653048 (VCV002653048.27), dbSNP rs1262717708, ClinGen allele CA411126813.
Genomic context (GRCh38, chr22:29,485,727, plus strand): 5'-GGTACTGAGGGCCAGACACTGGCTGGCATGTGATGTGTGTCACCTCTCCTTCCCAGGAAG[C>A]CATTCAGCAGCTGGACGCTGAGCTGAGGAACACCAAGTGGGAGATGGCCGCCCAGCTGCG-3'
Protein context (NP_066554.2, residues 353-373): HQADIASYQE[Ala363Asp]IQQLDAELRN

ClinVar aggregate classification (germline): Uncertain significance. Review status: criteria provided, multiple submitters, no conflicts (2 of 4 stars). 2 submissions from 2 submitters: Uncertain significance (2). Last evaluated 2023-08-19.

Allele frequency attached by ClinVar (database versions not stated): gnomAD 0.00001; TOPMed 0.00001.
gnomAD v4.1: 7 of 1,613,882 alleles (0.00043%); highest among the groups gnomAD compares: Non-Finnish European, 0.00059%; no homozygotes.

Submissions (2):

Labcorp Genetics (formerly Invitae), Labcorp
Classification: Uncertain significance. Last evaluated: 2023-08-19. Review status: criteria provided, single submitter. Criteria: Invitae Variant Classification Sherloc (09022015). Collection method: clinical testing. Allele origin: germline.
Comment: This sequence change replaces alanine, which is neutral and non-polar, with aspartic acid, which is acidic and polar, at codon 363 of the NEFH protein (p.Ala363Asp). This variant is present in population databases (no rsID available, gnomAD 0.002%). This variant has not been reported in the literature in individuals affected with NEFH-related conditions. Advanced modeling of protein sequence and biophysical properties (such as structural, functional, and spatial information, amino acid conservation, physicochemical variation, residue mobility, and thermodynamic stability) performed at Invitae indicates that this missense variant is not expected to disrupt NEFH protein function. Algorithms developed to predict the effect of sequence changes on RNA splicing suggest that this variant may create or strengthen a splice site. In summary, the available evidence is currently insufficient to determine the role of this variant in disease. Therefore, it has been classified as a Variant of Uncertain Significance.

CeGaT Center for Human Genetics Tuebingen
Classification: Uncertain significance. Last evaluated: 2022-11-01. Review status: criteria provided, single submitter. Criteria: CeGaT Center For Human Genetics Tuebingen Variant Classification Criteria Version 2. Collection method: clinical testing. Allele origin: germline. Affected: yes. Observed: 1 variant allele.